The following is an entry in ClinVar:

ClinVar aggregate classification (germline): Uncertain significance (1 of 4 stars; one submission).

Conditions:
3-methylglutaconic aciduria type 1 (MGCA1). Identifiers: Orphanet 67046, MedGen C0342727, MONDO:0009610, OMIM 250950.

gnomAD v4.1: 2 of 1,614,022 alleles (0.00012%); highest among the groups gnomAD compares: Non-Finnish European, 0.00017%; no homozygotes.

Submission:

Labcorp Genetics (formerly Invitae), Labcorp
Classification: Uncertain significance for 3-methylglutaconic aciduria type 1. Last evaluated: 2024-10-24. Review status: criteria provided, single submitter. Criteria: Invitae Variant Classification Sherloc (09022015). Collection method: clinical testing. Allele origin: germline.
Comment: This sequence change falls in intron 6 of the AUH gene. It does not directly change the encoded amino acid sequence of the AUH protein. It affects a nucleotide within the consensus splice site. This variant is not present in population databases (gnomAD no frequency). This variant has not been reported in the literature in individuals affected with AUH-related conditions. ClinVar contains an entry for this variant (Variation ID: 1975072). Variants that disrupt the consensus splice site are a relatively common cause of aberrant splicing (PMID: 17576681, 9536098). Algorithms developed to predict the effect of sequence changes on RNA splicing suggest that this variant may disrupt the consensus splice site. In summary, the available evidence is currently insufficient to determine the role of this variant in disease. Therefore, it has been classified as a Variant of Uncertain Significance.

Literature cited by the submitters: PubMed 17576681; PubMed 9536098.

NM_001698.3(AUH):c.655+3A>T

Gene: AUH (AU RNA binding methylglutaconyl-CoA hydratase; minus strand). Cytogenetic location: 9q22.31.
Variant type: single nucleotide variant.
Coding change: c.655+3A>T on transcript NM_001698.3 (MANE Select); 3 bases into the intron after coding-DNA position 655, A replaced by T.
Molecular consequence: intron variant.
Genome position (GRCh38, 1-based): chr9:91,296,018, T>A on the plus strand (A>T on the coding strand, the complement: AUH is on the minus strand). VCF-style: chr9-91296018-T-A. GRCh37 (hg19) VCF-style: chr9-94058300-T-A.
Other names: c.568+3A>T (NM_001306190.2); c.328+3A>T (NM_001351433.2, NM_001351431.2, NM_001351432.2).
Identifiers: ClinVar variation 1975072 (VCV001975072.5), dbSNP rs755914350, ClinGen allele CA2580080647.
Genomic context (GRCh38, chr9:91,296,018, plus strand): 5'-GCCTTATGCCCTGTTTCTAGGACCAAATCAAGGATTTGAGGAATGGGCGTGAACTACTCA[T>A]ACCTCCACCAGGAATAATCGCCAATTTTGTTTCAACCAGGCCCATTTTTGCAGAGGAAGC-3'